The following is an entry in ClinVar:

NM_032977.4(CASP10):c.1226C>T (p.Ser409Phe)

Gene: CASP10 (caspase 10; plus strand). Cytogenetic location: 2q33.1.
Variant type: single nucleotide variant.
Coding change: c.1226C>T on transcript NM_032977.4 (MANE Select); coding-DNA position 1226, C replaced by T.
Protein change: p.Ser409Phe; replaces serine 409 with phenylalanine.
Molecular consequence: missense variant. On other transcripts: 3 prime UTR variant (1).
Genome position (GRCh38, 1-based): chr2:201,209,373, C>T. VCF-style: chr2-201209373-C-T. GRCh37 (hg19) VCF-style: chr2-202074096-C-T.
Other names: c.1025C>T, p.Ser342Phe (NM_001206524.2); c.1097C>T, p.Ser366Phe (NM_001206542.2, NM_001230.5); c.1226C>T, p.Ser409Phe (NM_032974.5); c.*312C>T (NM_032976.4); short protein forms S342F, S409F, S366F.
Identifiers: ClinVar variation 2935060 (VCV002935060.3), dbSNP rs1409279830, ClinGen allele CA350292160.
Genomic context (GRCh38, chr2:201,209,373, plus strand): 5'-TGGCTGAAAAACCTAAACTCTTTTTCATCCAGGCCTGCCAAGGTGAAGAGATACAGCCTT[C>T]CGTATCCATCGAAGCAGATGCTCTGAACCCTGAGCAGGCACCCACTTCCCTGCAGGACAG-3'
Protein context (NP_116759.2, residues 399-419): QACQGEEIQP[Ser409Phe]VSIEADALNP

ClinVar aggregate classification (germline): Uncertain significance (1 of 4 stars; one submission).

Conditions:
Autoimmune lymphoproliferative syndrome type 2A (ALPS2A). Also called: CASP10-Related Autoimmune Lymphoproliferative Syndrome; AUTOIMMUNE LYMPHOPROLIFERATIVE SYNDROME, TYPE IIA; Autoimmune lymphoproliferative syndrome type 2. Identifiers: Orphanet 3261, MedGen C1858968, MONDO:0011383, OMIM 603909.

Allele frequency attached by ClinVar (database versions not stated): gnomAD exomes below 0.00001; gnomAD 0.00001; TOPMed 0.00001.

Submission:

Labcorp Genetics (formerly Invitae), Labcorp
Classification: Uncertain significance for Autoimmune lymphoproliferative syndrome type 2A. Last evaluated: 2024-06-24. Review status: criteria provided, single submitter. Criteria: Invitae Variant Classification Sherloc (09022015). Collection method: clinical testing. Allele origin: germline.
Comment: This sequence change replaces serine, which is neutral and polar, with phenylalanine, which is neutral and non-polar, at codon 409 of the CASP10 protein (p.Ser409Phe). This variant is not present in population databases (gnomAD no frequency). This variant has not been reported in the literature in individuals affected with CASP10-related conditions. Advanced modeling of protein sequence and biophysical properties (such as structural, functional, and spatial information, amino acid conservation, physicochemical variation, residue mobility, and thermodynamic stability) performed at Invitae indicates that this missense variant is not expected to disrupt CASP10 protein function with a negative predictive value of 80%. In summary, the available evidence is currently insufficient to determine the role of this variant in disease. Therefore, it has been classified as a Variant of Uncertain Significance.